The following is an entry in ClinVar:

NM_001159699.2(FHL1):c.452T>A (p.Val151Asp)

Gene: FHL1 (four and a half LIM domains 1; plus strand). Cytogenetic location: Xq26.3.
Variant type: single nucleotide variant.
Coding change: c.452T>A on transcript NM_001159699.2 (MANE Select); coding-DNA position 452, T replaced by A.
Protein change: p.Val151Asp; replaces valine 151 with aspartic acid.
Molecular consequence: missense variant. On other transcripts: non-coding transcript variant (1).
Genome position (GRCh38, 1-based): chrX:136,207,864, T>A. VCF-style: chrX-136207864-T-A. GRCh37 (hg19) VCF-style: chrX-135290023-T-A.
Other names: c.404T>A, p.Val135Asp (NM_001159700.2, NM_001159702.3, NM_001159703.2 and 9 more transcripts); c.491T>A, p.Val164Asp (NM_001159701.2); c.452T>A, p.Val151Asp (NM_001330659.2); c.404T>A (NM_001449.4); short protein forms V135D, V164D, V151D.
Identifiers: ClinVar variation 1039659 (VCV001039659.7), dbSNP rs2073887416, ClinGen allele CA414608453.

ClinVar aggregate classification (germline): Uncertain significance. Review status: criteria provided, multiple submitters, no conflicts (2 of 4 stars). 2 submissions from 2 submitters: Uncertain significance (2). Last evaluated 2025-07-02.

Conditions:
X-linked myopathy with postural muscle atrophy. Also called: FHL1-Related Emery-Dreifuss Muscular Dystrophy, X-Linked. Identifiers: Orphanet 178461, MedGen C2678055, MONDO:0010401, OMIM 300696.
Cardiovascular phenotype. Identifiers: MedGen CN230736.

Allele frequency attached by ClinVar (database versions not stated): gnomAD exomes 0.00001.
gnomAD v4.1: 8 of 1,211,924 alleles (0.00066%); highest among the groups gnomAD compares: Non-Finnish European, 0.00089%; no homozygotes.

Submissions (2):

Ambry Genetics
Classification: Uncertain significance for Cardiovascular phenotype. Last evaluated: 2025-07-02. Review status: criteria provided, single submitter. Criteria: Ambry Variant Classification Scheme 2023. Collection method: clinical testing. Allele origin: germline.

Labcorp Genetics (formerly Invitae), Labcorp
Classification: Uncertain significance for X-linked myopathy with postural muscle atrophy. Last evaluated: 2021-08-31. Review status: criteria provided, single submitter. Criteria: Invitae Variant Classification Sherloc (09022015). Collection method: clinical testing. Allele origin: germline.
Comment: This sequence change replaces valine with aspartic acid at codon 135 of the FHL1 protein (p.Val135Asp). The valine residue is moderately conserved and there is a large physicochemical difference between valine and aspartic acid. This variant is not present in population databases (ExAC no frequency). This variant has not been reported in the literature in individuals affected with FHL1-related conditions. Algorithms developed to predict the effect of missense changes on protein structure and function are either unavailable or do not agree on the potential impact of this missense change (SIFT: "Deleterious"; PolyPhen-2: "Possibly Damaging"; Align-GVGD: "Class C15"). In summary, the available evidence is currently insufficient to determine the role of this variant in disease. Therefore, it has been classified as a Variant of Uncertain Significance.